The following is an entry in ClinVar:

ClinVar aggregate classification (germline): Uncertain significance (1 of 4 stars; one submission).

Allele frequency attached by ClinVar (database versions not stated): TOPMed below 0.00001; gnomAD 0.00001.
gnomAD v4.1: 4 of 1,532,550 alleles (0.00026%); highest among the groups gnomAD compares: Non-Finnish European, 0.00035%; no homozygotes.

Submission:

Labcorp Genetics (formerly Invitae), Labcorp
Classification: Uncertain significance. Last evaluated: 2024-12-17. Review status: criteria provided, single submitter. Criteria: Invitae Variant Classification Sherloc (09022015). Collection method: clinical testing. Allele origin: germline.
Comment: This sequence change replaces proline, which is neutral and non-polar, with arginine, which is basic and polar, at codon 373 of the CAMK2B protein (p.Pro373Arg). The frequency data for this variant in the population databases is considered unreliable, as metrics indicate poor data quality at this position in the gnomAD database. This variant has not been reported in the literature in individuals affected with CAMK2B-related conditions. ClinVar contains an entry for this variant (Variation ID: 1901814). An algorithm developed to predict the effect of missense changes on protein structure and function (PolyPhen-2) suggests that this variant is likely to be disruptive. In summary, the available evidence is currently insufficient to determine the role of this variant in disease. Therefore, it has been classified as a Variant of Uncertain Significance.

NM_001220.5(CAMK2B):c.1118C>G (p.Pro373Arg)

Gene: CAMK2B (calcium/calmodulin dependent protein kinase II beta; minus strand). Cytogenetic location: 7p13.
Variant type: single nucleotide variant.
Coding change: c.1118C>G on transcript NM_001220.5 (MANE Select); coding-DNA position 1118, C replaced by G.
Protein change: p.Pro373Arg; replaces proline 373 with arginine.
Molecular consequence: missense variant. On other transcripts: intron variant (3).
Genome position (GRCh38, 1-based): chr7:44,234,403, G>C on the plus strand (C>G on the coding strand, the complement: CAMK2B is on the minus strand). VCF-style: chr7-44234403-G-C. GRCh37 (hg19) VCF-style: chr7-44274002-G-C.
Other names: c.1118C>G, p.Pro373Arg (NM_001293170.2, NM_172078.3); c.1046C>G, p.Pro349Arg (NM_172079.3, NM_172081.3); c.1043C>G, p.Pro348Arg (NM_172080.3); c.946+6304C>G (NM_172084.3); c.987+236C>G (NM_172083.3); c.1059+236C>G (NM_172082.3); short protein forms P348R, P349R, P373R.
Identifiers: ClinVar variation 1901814 (VCV001901814.5), dbSNP rs1238433773, ClinGen allele CA367377061.